The following is an entry in ClinVar:

ClinVar aggregate classification (germline): Uncertain significance (1 of 4 stars; one submission).

gnomAD v4.1: 1 of 1,591,064 alleles (0.000063%); highest among the groups gnomAD compares: Non-Finnish European, 0.000086%; no homozygotes.

Submission:

Labcorp Genetics (formerly Invitae), Labcorp
Classification: Uncertain significance. Last evaluated: 2025-09-28. Review status: criteria provided, single submitter. Criteria: Invitae Variant Classification Sherloc (09022015). Collection method: clinical testing. Allele origin: germline.
Comment: This sequence change replaces threonine, which is neutral and polar, with alanine, which is neutral and non-polar, at codon 1901 of the FN1 protein (p.Thr1901Ala). This variant is present in population databases (no rsID available, gnomAD 0.002%). This variant has not been reported in the literature in individuals affected with FN1-related conditions. An algorithm developed to predict the effect of missense changes on protein structure and function (PolyPhen-2) suggests that this variant is likely to be disruptive. In summary, the available evidence is currently insufficient to determine the role of this variant in disease. Therefore, it has been classified as a Variant of Uncertain Significance.

NM_212482.4(FN1):c.5701A>G (p.Thr1901Ala)

Gene: FN1 (fibronectin 1; minus strand). Cytogenetic location: 2q35.
Variant type: single nucleotide variant.
Coding change: c.5701A>G on transcript NM_212482.4 (MANE Select); coding-DNA position 5701, A replaced by G.
Protein change: p.Thr1901Ala; replaces threonine 1901 with alanine.
Molecular consequence: missense variant.
Genome position (GRCh38, 1-based): chr2:215,378,184, T>C on the plus strand (A>G on the coding strand, the complement: FN1 is on the minus strand). VCF-style: chr2-215378184-T-C. GRCh37 (hg19) VCF-style: chr2-216242907-T-C.
Other names: c.5701A>G, p.Thr1901Ala (NM_001306129.2); c.5431A>G, p.Thr1811Ala (NM_001306130.2, NM_001365517.2, NM_001365519.2 and 2 more transcripts); c.5158A>G, p.Thr1720Ala (NM_001306131.2, NM_001306132.2, NM_001365523.2 and 2 more transcripts); c.5428A>G, p.Thr1810Ala (NM_001365518.2, NM_001365520.2, NM_001365524.2 and 2 more transcripts); short protein forms T1720A, T1810A, T1811A, T1901A.
Identifiers: ClinVar variation 4809961 (VCV004809961.1).